The following is an entry in ClinVar:

ClinVar aggregate classification (germline): Uncertain significance (1 of 4 stars; one submission).

Conditions:
Hereditary cancer-predisposing syndrome. Also called: Neoplastic Syndromes, Hereditary; Tumor predisposition; Hereditary Cancer Syndrome; Hereditary neoplastic syndrome. Identifiers: Orphanet 140162, MedGen C0027672, MeSH D009386, MONDO:0015356.

Submission:

Ambry Genetics
Classification: Uncertain significance for Hereditary cancer-predisposing syndrome. Last evaluated: 2026-08-12. Review status: criteria provided, single submitter. Criteria: Ambry Variant Classification Scheme 2023. Collection method: clinical testing. Allele origin: germline.
Comment: The p.I229F variant (also known as c.685A>T), located in coding exon 5 of the FH gene, results from an A to T substitution at nucleotide position 685. The isoleucine at codon 229 is replaced by phenylalanine, an amino acid with highly similar properties. This amino acid position is highly conserved in available vertebrate species. In addition, this alteration is predicted to be deleterious by in silico analysis. Based on the available evidence, the clinical significance of this variant remains unclear.

NM_000143.4(FH):c.685A>T (p.Ile229Phe)

Gene: FH (fumarate hydratase; minus strand). Cytogenetic location: 1q43.
Variant type: single nucleotide variant.
Coding change: c.685A>T on transcript NM_000143.4 (MANE Select); coding-DNA position 685, A replaced by T.
Protein change: p.Ile229Phe; replaces isoleucine 229 with phenylalanine.
Molecular consequence: missense variant.
Genome position (GRCh38, 1-based): chr1:241,508,656, T>A on the plus strand (A>T on the coding strand, the complement: FH is on the minus strand). VCF-style: chr1-241508656-T-A. GRCh37 (hg19) VCF-style: chr1-241671956-T-A.
Other names: short protein forms I229F.
Identifiers: ClinVar variation 3230458 (VCV003230458.2), dbSNP rs764065194, ClinGen allele CA345439244.
Genomic context (GRCh38, chr1:241,508,656, plus strand): 5'-CCTATACCTGCCCAAGAGTAAGTGGAACAGCATCCTGAGTATGAGTACGTCCAATCTTGA[T>A]GATCTGTGCAAACTCTTTGGATTTTGCATCAAGAGCATCATGTAACTTCTGTAGTCCTGG-3'
Protein context (NP_000134.2, residues 219-239): DAKSKEFAQI[Ile229Phe]KIGRTHTQDA